The following is an entry in ClinVar:

ClinVar aggregate classification (germline): Uncertain significance (1 of 4 stars; one submission).

Conditions:
Tuberous sclerosis 2 (TSC2). Identifiers: Orphanet 805, MedGen C1860707, MONDO:0013199, OMIM 613254.

gnomAD v4.1: 1 of 1,613,056 alleles (0.000062%); highest among the groups gnomAD compares: Non-Finnish European, 0.000085%; no homozygotes.

Submission:

Labcorp Genetics (formerly Invitae), Labcorp
Classification: Uncertain significance for Tuberous sclerosis 2. Last evaluated: 2024-05-22. Review status: criteria provided, single submitter. Criteria: Invitae Variant Classification Sherloc (09022015). Collection method: clinical testing. Allele origin: germline.
Comment: This sequence change replaces leucine, which is neutral and non-polar, with valine, which is neutral and non-polar, at codon 1061 of the TSC2 protein (p.Leu1061Val). This variant is not present in population databases (gnomAD no frequency). This variant has not been reported in the literature in individuals affected with TSC2-related conditions. ClinVar contains an entry for this variant (Variation ID: 535942). Advanced modeling of protein sequence and biophysical properties (such as structural, functional, and spatial information, amino acid conservation, physicochemical variation, residue mobility, and thermodynamic stability) performed at Invitae indicates that this missense variant is not expected to disrupt TSC2 protein function with a negative predictive value of 95%. Algorithms developed to predict the effect of sequence changes on RNA splicing suggest that this variant may disrupt the consensus splice site. In summary, the available evidence is currently insufficient to determine the role of this variant in disease. Therefore, it has been classified as a Variant of Uncertain Significance.

NM_000548.5(TSC2):c.3181C>G (p.Leu1061Val)

Gene: TSC2 (TSC complex subunit 2; plus strand). Cytogenetic location: 16p13.3.
Variant type: single nucleotide variant.
Coding change: c.3181C>G on transcript NM_000548.5 (MANE Select); coding-DNA position 3181, C replaced by G.
Protein change: p.Leu1061Val; replaces leucine 1061 with valine.
Molecular consequence: missense variant.
Genome position (GRCh38, 1-based): chr16:2,079,325, C>G. VCF-style: chr16-2079325-C-G. GRCh37 (hg19) VCF-style: chr16-2129326-C-G.
Other names: c.3049C>G, p.Leu1017Val (NM_001077183.3, NM_001370404.1); c.3181C>G, p.Leu1061Val (NM_001114382.3); c.2941C>G, p.Leu981Val (NM_001318827.2); c.2905C>G, p.Leu969Val (NM_001318829.2); c.2449C>G, p.Leu817Val (NM_001318831.2); c.3082C>G, p.Leu1028Val (NM_001318832.2); c.3052C>G, p.Leu1018Val (NM_001363528.2, NM_001370405.1, NM_021055.3); short protein forms L1061V, L817V, L981V, L1018V, L969V, L1028V, L1017V.
Identifiers: ClinVar variation 535942 (VCV000535942.8), dbSNP rs946673791, ClinGen allele CA394285550.
Genomic context (GRCh38, chr16:2,079,325, plus strand): 5'-CTGTCTTCTAGGTCTCCTGTGGGCGAGTTCCTCCTAGCGGGTGGCAGGACCAAAACCTGG[C>G]TGGTTGGGAACAAGCTTGTCACTGTGACGACAAGCGTGGGAACCGGGACCCGGTCGTTAC-3'
Protein context (NP_000539.2, residues 1051-1071): LLAGGRTKTW[Leu1061Val]VGNKLVTVTT